The following is an entry in ClinVar:

NM_004385.5(VCAN):c.5716A>G (p.Ile1906Val)

Genes: VCAN (versican; plus strand), VCAN-AS1 (VCAN antisense RNA 1; minus strand). Cytogenetic location: 5q14.3.
Variant type: single nucleotide variant.
Coding change: c.5716A>G on transcript NM_004385.5 (MANE Select); coding-DNA position 5716, A replaced by G.
Protein change: p.Ile1906Val; replaces isoleucine 1906 with valine.
Molecular consequence: missense variant. On other transcripts: intron variant (2).
Genome position (GRCh38, 1-based): chr5:83,538,719, A>G. VCF-style: chr5-83538719-A-G. GRCh37 (hg19) VCF-style: chr5-82834538-A-G.
Other names: c.2755A>G, p.Ile919Val (NM_001164097.2); c.4004-6818A>G (NM_001164098.2); c.1043-6818A>G (NM_001126336.3); short protein forms I919V, I1906V.
Identifiers: ClinVar variation 964634 (VCV000964634.10), dbSNP rs200520885, ClinGen allele CA3333372.
Genomic context (GRCh38, chr5:83,538,719, plus strand): 5'-GTTTTGAGTACAGTAATGGACAGAGTAGTTGCTGAAAATATAACCCAAACATCCAGGGAA[A>G]TAGTGATTTCAGAGCGATTAGGAGAACCAAATTATGGGGCAGAAATAAGGGGCTTTTCCA-3'
Protein context (NP_004376.2, residues 1896-1916): AENITQTSRE[Ile1906Val]VISERLGEPN

ClinVar aggregate classification (germline): Uncertain significance. Review status: criteria provided, multiple submitters, no conflicts (2 of 4 stars). 2 submissions from 2 submitters: Uncertain significance (2). Last evaluated 2025-12-07.

Conditions:
Inborn genetic diseases. Identifiers: MedGen C0950123, MeSH D030342.

Allele frequency attached by ClinVar (database versions not stated): gnomAD exomes 0.00004; ExAC 0.00005; gnomAD 0.00011 and 0.00018; TOPMed 0.00019; ESP Exome Variant Server 0.00031.
gnomAD v4.1: 75 of 1,613,964 alleles (0.0046%); highest among the groups gnomAD compares: Non-Finnish European, 0.0053%; no homozygotes.

Submissions (2):

Labcorp Genetics (formerly Invitae), Labcorp
Classification: Uncertain significance. Last evaluated: 2025-12-07. Review status: criteria provided, single submitter. Criteria: Invitae Variant Classification Sherloc (09022015). Collection method: clinical testing. Allele origin: germline.
Comment: This sequence change replaces isoleucine, which is neutral and non-polar, with valine, which is neutral and non-polar, at codon 1906 of the VCAN protein (p.Ile1906Val). This variant is present in population databases (rs200520885, gnomAD 0.009%). This missense change has been observed in individuals with clinical features of retinitis pigmentosa (internal data). ClinVar contains an entry for this variant (Variation ID: 964634). An algorithm developed to predict the effect of missense changes on protein structure and function outputs the following: PolyPhen-2: "Benign". The valine amino acid residue is found in multiple mammalian species, which suggests that this missense change does not adversely affect protein function. In summary, the available evidence is currently insufficient to determine the role of this variant in disease. Therefore, it has been classified as a Variant of Uncertain Significance.

Ambry Genetics
Classification: Uncertain significance for Inborn genetic diseases. Last evaluated: 2022-10-27. Review status: criteria provided, single submitter. Criteria: Ambry Variant Classification Scheme 2023. Collection method: clinical testing. Allele origin: germline.